The following is an entry in ClinVar:

NM_177438.3(DICER1):c.2903T>C (p.Phe968Ser)

Gene: DICER1 (dicer 1, ribonuclease III; minus strand). Cytogenetic location: 14q32.13.
Variant type: single nucleotide variant.
Coding change: c.2903T>C on transcript NM_177438.3 (MANE Select); coding-DNA position 2903, T replaced by C.
Protein change: p.Phe968Ser; replaces phenylalanine 968 with serine.
Molecular consequence: missense variant. On other transcripts: non-coding transcript variant (6).
Genome position (GRCh38, 1-based): chr14:95,106,125, A>G on the plus strand (T>C on the coding strand, the complement: DICER1 is on the minus strand). VCF-style: chr14-95106125-A-G. GRCh37 (hg19) VCF-style: chr14-95572462-A-G.
Other names: c.2903T>C, p.Phe968Ser (NM_001195573.1, NM_001271282.3, NM_001291628.2 and 12 more transcripts); c.2621T>C, p.Phe874Ser (NM_001395686.1); c.2498T>C, p.Phe833Ser (NM_001395687.1, NM_001395688.1, NM_001395689.1 and 2 more transcripts); c.2336T>C, p.Phe779Ser (NM_001395691.1); c.1220T>C, p.Phe407Ser (NM_001395697.1); short protein forms F407S, F968S, F833S, F874S, F779S.
Identifiers: ClinVar variation 3711417 (VCV003711417.3).

ClinVar aggregate classification (germline): Uncertain significance. Review status: criteria provided, multiple submitters, no conflicts (2 of 4 stars). 2 submissions from 2 submitters: Uncertain significance (2). Last evaluated 2026-07-06.

Conditions:
Hereditary cancer-predisposing syndrome. Also called: Tumor predisposition; Hereditary neoplastic syndrome; Hereditary Cancer Syndrome; Neoplastic Syndromes, Hereditary. Identifiers: Orphanet 140162, MedGen C0027672, MeSH D009386, MONDO:0015356.
DICER1-related tumor predisposition. Also called: DICER1-related pleuropulmonary blastoma cancer predisposition syndrome; DICER1 syndrome. Identifiers: Orphanet 284343, MedGen C3839822, MONDO:0100216.

Submissions (2):

Ambry Genetics
Classification: Uncertain significance for Hereditary cancer-predisposing syndrome. Last evaluated: 2026-07-06. Review status: criteria provided, single submitter. Criteria: Ambry Variant Classification Scheme 2023. Collection method: clinical testing. Allele origin: germline.
Comment: The p.F968S variant (also known as c.2903T>C), located in coding exon 17 of the DICER1 gene, results from a T to C substitution at nucleotide position 2903. The phenylalanine at codon 968 is replaced by serine, an amino acid with highly dissimilar properties. This amino acid position is conserved. In addition, this alteration is predicted to be deleterious by in silico analysis. Based on the available evidence, the clinical significance of this variant remains unclear.

Labcorp Genetics (formerly Invitae), Labcorp
Classification: Uncertain significance for DICER1-related tumor predisposition. Last evaluated: 2024-09-14. Review status: criteria provided, single submitter. Criteria: Invitae Variant Classification Sherloc (09022015). Collection method: clinical testing. Allele origin: germline.
Comment: This sequence change replaces phenylalanine, which is neutral and non-polar, with serine, which is neutral and polar, at codon 968 of the DICER1 protein (p.Phe968Ser). This variant is not present in population databases (gnomAD no frequency). This variant has not been reported in the literature in individuals affected with DICER1-related conditions. Invitae Evidence Modeling of protein sequence and biophysical properties (such as structural, functional, and spatial information, amino acid conservation, physicochemical variation, residue mobility, and thermodynamic stability) indicates that this missense variant is expected to disrupt DICER1 protein function with a positive predictive value of 80%. In summary, the available evidence is currently insufficient to determine the role of this variant in disease. Therefore, it has been classified as a Variant of Uncertain Significance.